The following is an entry in ClinVar:

NM_001009944.3(PKD1):c.9904G>T (p.Val3302Phe)

Gene: PKD1 (polycystin 1, transient receptor potential channel interacting; minus strand). Cytogenetic location: 16p13.3.
Variant type: single nucleotide variant.
Coding change: c.9904G>T on transcript NM_001009944.3 (MANE Select); coding-DNA position 9904, G replaced by T.
Protein change: p.Val3302Phe; replaces valine 3302 with phenylalanine.
Molecular consequence: missense variant.
Genome position (GRCh38, 1-based): chr16:2,099,880, C>A on the plus strand (G>T on the coding strand, the complement: PKD1 is on the minus strand). VCF-style: chr16-2099880-C-A. GRCh37 (hg19) VCF-style: chr16-2149881-C-A.
Other names: c.9904G>T, p.Val3302Phe (NM_000296.4); c.9904G>T (NM_000296.3); short protein forms V3302F.
Identifiers: ClinVar variation 3383603 (VCV003383603.3).

ClinVar aggregate classification (germline): Uncertain significance. Review status: criteria provided, multiple submitters, no conflicts (2 of 4 stars). 3 submissions from 3 submitters: Uncertain significance (3). Last evaluated 2026-04-06.

Conditions:
Inborn genetic diseases. Identifiers: MedGen C0950123, MeSH D030342.
Polycystic kidney disease, adult type (PKD1). Also called: Polycystic Kidney Disease 1, Autosomal Dominant; Polycystic kidney disease 1; Polycystic kidney disease 1, severe; Polycystic Kidney, Autosomal Dominant; POLYCYSTIC KIDNEY DISEASE 1 WITH OR WITHOUT POLYCYSTIC LIVER DISEASE; POLYCYSTIC KIDNEY DISEASE, ADULT, TYPE I. Identifiers: MedGen C3149841, MONDO:0008263, OMIM 173900.

gnomAD v4.1: 2 of 1,566,876 alleles (0.00013%); highest among the groups gnomAD compares: African/African-American, 0.0027%; no homozygotes.

Submissions (3):

Ambry Genetics
Classification: Uncertain significance for Inborn genetic diseases. Last evaluated: 2026-04-06. Review status: criteria provided, single submitter. Criteria: Ambry Variant Classification Scheme 2023. Collection method: clinical testing. Allele origin: germline.

GeneDx
Classification: Uncertain significance. Last evaluated: 2024-05-29. Review status: criteria provided, single submitter. Criteria: GeneDx Variant Classification Process June 2021. Collection method: clinical testing. Allele origin: germline. Affected: yes.
Comment: Not observed at significant frequency in large population cohorts (gnomAD); In silico analysis supports that this missense variant has a deleterious effect on protein structure/function; Has not been previously published as pathogenic or benign to our knowledge

Fulgent Genetics
Classification: Uncertain significance for Polycystic kidney disease, adult type. Last evaluated: 2024-04-26. Review status: criteria provided, single submitter. Criteria: ACMG Guidelines, 2015. Collection method: clinical testing. Allele origin: germline.